The following is an entry in ClinVar:

ClinVar aggregate classification (germline): Uncertain significance (1 of 4 stars; one submission).

Conditions:
Hereditary cancer-predisposing syndrome. Also called: Neoplastic Syndromes, Hereditary; Hereditary Cancer Syndrome; Tumor predisposition; Hereditary neoplastic syndrome. Identifiers: Orphanet 140162, MedGen C0027672, MeSH D009386, MONDO:0015356.

Submission:

Ambry Genetics
Classification: Uncertain significance for Hereditary cancer-predisposing syndrome. Last evaluated: 2024-12-31. Review status: criteria provided, single submitter. Criteria: Ambry Variant Classification Scheme 2023. Collection method: clinical testing. Allele origin: germline.
Comment: The p.Y529S variant (also known as c.1586A>C), located in coding exon 17 of the RB1 gene, results from an A to C substitution at nucleotide position 1586. The tyrosine at codon 529 is replaced by serine, an amino acid with dissimilar properties. This amino acid position is conserved. In addition, this alteration is predicted to be deleterious by in silico analysis. Based on the available evidence, the clinical significance of this variant remains unclear.

NM_000321.3(RB1):c.1586A>C (p.Tyr529Ser)

Gene: RB1 (RB transcriptional corepressor 1; plus strand). Cytogenetic location: 13q14.2.
Variant type: single nucleotide variant.
Coding change: c.1586A>C on transcript NM_000321.3 (MANE Select); coding-DNA position 1586, A replaced by C.
Protein change: p.Tyr529Ser; replaces tyrosine 529 with serine.
Molecular consequence: missense variant.
Genome position (GRCh38, 1-based): chr13:48,381,334, A>C. VCF-style: chr13-48381334-A-C. GRCh37 (hg19) VCF-style: chr13-48955470-A-C.
Other names: c.1586A>C, p.Tyr529Ser (NM_001407165.1, NM_001407166.1); short protein forms Y529S.
Identifiers: ClinVar variation 3787249 (VCV003787249.1).